The following is an entry in ClinVar:

ClinVar aggregate classification (germline): Uncertain significance (1 of 4 stars; one submission).

Submission:

GeneDx
Classification: Uncertain significance. Last evaluated: 2026-08-22. Review status: criteria provided, single submitter. Criteria: GeneDx Variant Classification Process June 2021. Collection method: clinical testing. Allele origin: germline.
Comment: Not observed at significant frequency in large population cohorts (gnomAD); Frameshift variant predicted to result in protein truncation or nonsense mediated decay in a gene or region of a gene for which loss of function is not a well-established mechanism of disease; Has not been previously published as pathogenic or benign to our knowledge

NM_005188.4(CBL):c.1534_1537delinsTA (p.Ser512fs)

Gene: CBL (Cbl proto-oncogene; plus strand). Cytogenetic location: 11q23.3.
Variant type: Indel.
Coding change: c.1534_1537delinsTA on transcript NM_005188.4 (MANE Select); coding-DNA positions 1534 to 1537, AGTG replaced by TA.
Protein change: p.Ser512fs; shifts the reading frame from serine 512.
Molecular consequence: frameshift variant.
Genome position (GRCh38, 1-based): chr11:119,285,071-119,285,074, AGTG replaced by TA. VCF-style: chr11-119285071-AGTG-TA. GRCh37 (hg19) VCF-style: chr11-119155781-AGTG-TA.
Other names: short protein forms S512fs.
Identifiers: ClinVar variation 3381699 (VCV003381699.2).